The following is an entry in ClinVar:

NM_000548.5(TSC2):c.649-9C>T

Gene: TSC2 (TSC complex subunit 2; plus strand). Cytogenetic location: 16p13.3.
Variant type: single nucleotide variant.
Coding change: c.649-9C>T on transcript NM_000548.5 (MANE Select); 9 bases into the intron before coding-DNA position 649, C replaced by T.
Molecular consequence: intron variant.
Genome position (GRCh38, 1-based): chr16:2,056,635, C>T. VCF-style: chr16-2056635-C-T. GRCh37 (hg19) VCF-style: chr16-2106636-C-T.
Other names: c.649-9C>T (NM_001114382.3, NM_021055.3, NM_001370405.1 and 3 more transcripts); c.538-9C>T (NM_001318827.2); c.49-9C>T (NM_001318831.2); c.502-9C>T (NM_001318829.2); c.682-9C>T (NM_001318832.2).
Identifiers: ClinVar variation 1097305 (VCV001097305.10), dbSNP rs781099543, ClinGen allele CA056046.

ClinVar aggregate classification (germline): Likely benign. Review status: criteria provided, multiple submitters, no conflicts (2 of 4 stars). 2 submissions from 2 submitters: Likely benign (2). Last evaluated 2025-05-08.

Conditions:
Tuberous sclerosis 2 (TSC2). Identifiers: Orphanet 805, MedGen C1860707, MONDO:0013199, OMIM 613254.

Allele frequency attached by ClinVar (database versions not stated): 1000 Genomes Project 30x 0.00016.
gnomAD v4.1: 4 of 1,609,302 alleles (0.00025%); highest among the groups gnomAD compares: African/African-American, 0.0027%; no homozygotes.

Submissions (2):

Myriad Genetics, Inc.
Classification: Likely benign for Tuberous sclerosis 2. Last evaluated: 2025-05-08. Review status: criteria provided, single submitter. Criteria: Myriad Autosomal Dominant, Autosomal Recessive and X-Linked Classification Criteria (2023). Collection method: clinical testing. Allele origin: unknown.
Comment: This variant is considered likely benign. This variant is intronic and is not expected to impact mRNA splicing.

Labcorp Genetics (formerly Invitae), Labcorp
Classification: Likely benign for Tuberous sclerosis 2. Last evaluated: 2025-04-03. Review status: criteria provided, single submitter. Criteria: Invitae Variant Classification Sherloc (09022015). Collection method: clinical testing. Allele origin: germline.